The following is an entry in ClinVar:

ClinVar aggregate classification (germline): no classifications from unflagged records (0 of 4 stars; one submission).

Submission:

Bionano Laboratories
Classification: Uncertain significance. Last evaluated: 2018-09-27. Review status: flagged submission. Collection method: clinical testing. Allele origin: unknown.
ClinVar note: Notes: This submission was flagged because its interpretation of this variant conflicts with the ClinGen Gene Dosage Map curation for the gene DDX41.
ClinVar note: Reason: Conflict with ClinGen Gene Dosage Map

GRCh37/hg19 5q35.3(chr5:176732536-177260046)x1

Genes: PDLIM7 (PDZ and LIM domain 7; minus strand), PFN3 (profilin 3; minus strand), PRELID1 (PRELI domain containing 1; plus strand), PRR7 (proline rich 7, synaptic; plus strand), RGS14 (regulator of G protein signaling 14; plus strand) and 12 more. Cytogenetic location: 5q35.3.
Variant type: copy number loss.
Change: copy number 1 (one copy instead of two) of chr5:176,732,536-177,260,046 (527.5 kb, GRCh37 coordinates, 1-based), cytogenetic band 5q35.3.
Identifiers: ClinVar variation 684934 (VCV000684934.3).